The following is an entry in ClinVar:

NM_000363.5(TNNI3):c.456T>A (p.Asp152Glu)

Gene: TNNI3 (troponin I3, cardiac type; minus strand). Cytogenetic location: 19q13.42.
Variant type: single nucleotide variant.
Coding change: c.456T>A on transcript NM_000363.5 (MANE Select); coding-DNA position 456, T replaced by A.
Protein change: p.Asp152Glu; replaces aspartic acid 152 with glutamic acid.
Molecular consequence: missense variant.
Genome position (GRCh38, 1-based): chr19:55,154,123, A>T on the plus strand (T>A on the coding strand, the complement: TNNI3 is on the minus strand). VCF-style: chr19-55154123-A-T. GRCh37 (hg19) VCF-style: chr19-55665491-A-T.
Other names: short protein forms D152E.
Identifiers: ClinVar variation 4086222 (VCV004086222.2).

ClinVar aggregate classification (germline): Conflicting classifications of pathogenicity. Review status: criteria provided, conflicting classifications (1 of 4 stars). 2 submissions from 2 submitters: Likely pathogenic (1); Uncertain significance (1). Last evaluated 2020-09-24.

Conditions:
Dilated cardiomyopathy 2A (CMD2A). Also called: CARDIOMYOPATHY, CONGESTIVE, AUTOSOMAL RECESSIVE; CARDIOMYOPATHY, DILATED, AUTOSOMAL RECESSIVE. Identifiers: Orphanet 154, MedGen C2678474, MONDO:0012746, OMIM 611880.

Submissions (2):

Blueprint Genetics
Classification: Uncertain significance. Last evaluated: 2020-09-24. Review status: criteria provided, single submitter. Criteria: ACMG Guidelines, 2015. Collection method: clinical testing. Allele origin: germline.

Neuberg Centre For Genomic Medicine, NCGM
Classification: Likely pathogenic for Dilated cardiomyopathy 2A. Review status: criteria provided, single submitter. Criteria: ACMG Guidelines, 2015. Collection method: clinical testing. Allele origin: germline. Inheritance: Autosomal recessive inheritance. Affected: yes.
Comment: Additional evidences are required to prove the pathogenicity of the variant. Hence it is classified as Likely Pathogenic